The following is an entry in ClinVar:

NM_213604.3(ADAMTSL5):c.1399C>T (p.Arg467Trp)

Gene: ADAMTSL5 (ADAMTS like 5; minus strand). Cytogenetic location: 19p13.3.
Variant type: single nucleotide variant.
Coding change: c.1399C>T on transcript NM_213604.3 (MANE Select); coding-DNA position 1399, C replaced by T.
Protein change: p.Arg467Trp; replaces arginine 467 with tryptophan.
Molecular consequence: missense variant.
Genome position (GRCh38, 1-based): chr19:1,506,032, G>A on the plus strand (C>T on the coding strand, the complement: ADAMTSL5 is on the minus strand). VCF-style: chr19-1506032-G-A. GRCh37 (hg19) VCF-style: chr19-1506031-G-A.
Other names: c.1429C>T, p.Arg477Trp (NM_001367197.1); short protein forms R467W, R477W.
Identifiers: ClinVar variation 2648938 (VCV002648938.24), dbSNP rs144153954, ClinGen allele CA9047791.

ClinVar aggregate classification (germline): Likely benign (1 of 4 stars; one submission).

Allele frequency attached by ClinVar (database versions not stated): 1000 Genomes Project 30x 0.00203; 1000 Genomes Project 0.00220; ESP Exome Variant Server 0.00393; TOPMed 0.00465; gnomAD 0.00518; gnomAD exomes 0.00629; ExAC 0.00920.

Submission:

CeGaT Center for Human Genetics Tuebingen
Classification: Likely benign. Last evaluated: 2023-03-01. Review status: criteria provided, single submitter. Criteria: CeGaT Center For Human Genetics Tuebingen Variant Classification Criteria Version 2. Collection method: clinical testing. Allele origin: germline. Affected: yes. Observed: 1 variant allele.
Comment: ADAMTSL5: BS2